The following is an entry in ClinVar:

ClinVar aggregate classification (germline): Likely benign. Review status: criteria provided, single submitter (1 of 4 stars). 2 submissions from 2 submitters: Likely benign (1). 1 of the submissions does not count toward it. Last evaluated 2023-05-29.

Conditions:
ARL6-related disorder. Also called: ARL6-related condition.
Retinitis pigmentosa 55 (RP55). Identifiers: Orphanet 791, MedGen C3150808, MONDO:0013312, OMIM 613575.
Bardet-Biedl syndrome 3 (BBS3). Identifiers: Orphanet 110, MedGen C1859564, MONDO:0010832, OMIM 600151.

gnomAD v4.1: 2 of 1,612,874 alleles (0.00012%); highest among the groups gnomAD compares: Non-Finnish European, 0.00017%; no homozygotes.

Submissions (2):

Labcorp Genetics (formerly Invitae), Labcorp
Classification: Likely benign for Retinitis pigmentosa 55; Bardet-Biedl syndrome 3. Last evaluated: 2023-05-29. Review status: criteria provided, single submitter. Criteria: Invitae Variant Classification Sherloc (09022015). Collection method: clinical testing. Allele origin: germline.

PreventionGenetics, part of Exact Sciences
Classification: Likely benign for ARL6-related condition. Last evaluated: 2021-01-08. Review status: no assertion criteria provided. Collection method: clinical testing. Allele origin: germline. Not counted in ClinVar's aggregate classification.
Comment: This variant is classified as likely benign based on ACMG/AMP sequence variant interpretation guidelines (Richards et al. 2015 PMID: 25741868, with internal and published modifications).

NM_001278293.3(ARL6):c.141C>T (p.Ile47=)

Gene: ARL6 (ARF like GTPase 6; plus strand). Cytogenetic location: 3q11.2.
Variant type: single nucleotide variant.
Coding change: c.141C>T on transcript NM_001278293.3 (MANE Select); coding-DNA position 141, C replaced by T.
Protein change: p.Ile47=; no amino-acid change (isoleucine 47 retained).
Molecular consequence: synonymous variant. On other transcripts: non-coding transcript variant (7).
Genome position (GRCh38, 1-based): chr3:97,780,176, C>T. VCF-style: chr3-97780176-C-T. GRCh37 (hg19) VCF-style: chr3-97499020-C-T.
Other names: c.141C>T, p.Ile47= (NM_001323513.2, NM_001323514.2, NM_032146.5 and 1 more transcripts).
Identifiers: ClinVar variation 2063099 (VCV002063099.5), dbSNP rs1035888607, ClinGen allele CA79492113.